The following is an entry in ClinVar:

NM_005051.3(QARS1):c.1505T>G (p.Leu502Arg)

Gene: QARS1 (glutaminyl-tRNA synthetase 1; minus strand). Cytogenetic location: 3p21.31.
Variant type: single nucleotide variant.
Coding change: c.1505T>G on transcript NM_005051.3 (MANE Select); coding-DNA position 1505, T replaced by G.
Protein change: p.Leu502Arg; replaces leucine 502 with arginine.
Molecular consequence: missense variant. On other transcripts: non-coding transcript variant (1).
Genome position (GRCh38, 1-based): chr3:49,099,531, A>C on the plus strand (T>G on the coding strand, the complement: QARS1 is on the minus strand). VCF-style: chr3-49099531-A-C. GRCh37 (hg19) VCF-style: chr3-49136964-A-C.
Other names: c.1472T>G, p.Leu491Arg (NM_001272073.2); short protein forms L502R, L491R.
Identifiers: ClinVar variation 945576 (VCV000945576.6), dbSNP rs2042438556, ClinGen allele CA352705761.
Genomic context (GRCh38, chr3:49,099,531, plus strand): 5'-ATGCCATTAACCTTTCATAAGCCAAACAGCCGCACCTACCGCACAGCACCAGTTGCTACA[A>C]GCTGGAGGATCTTCCTCTTAGAGACAACAGCATAGTGCAGGTTGAGGCGGCCATACTCCC-3'
Protein context (NP_005042.1, residues 492-512): AVVSKRKILQ[Leu502Arg]VATGAVRDWD

ClinVar aggregate classification (germline): Uncertain significance (1 of 4 stars; one submission).

Conditions:
Diffuse cerebral and cerebellar atrophy - intractable seizures - progressive microcephaly syndrome. Also called: Microcephaly, progressive, with seizures and cerebral and cerebellar atrophy. Identifiers: Orphanet 404437, MedGen C4014239, MONDO:0014335, OMIM 615760.

Submission:

Labcorp Genetics (formerly Invitae), Labcorp
Classification: Uncertain significance for Diffuse cerebral and cerebellar atrophy - intractable seizures - progressive microcephaly syndrome. Last evaluated: 2022-02-24. Review status: criteria provided, single submitter. Criteria: Invitae Variant Classification Sherloc (09022015). Collection method: clinical testing. Allele origin: germline.
Comment: This variant is not present in population databases (gnomAD no frequency). This variant has not been reported in the literature in individuals affected with QARS-related conditions. This sequence change replaces leucine, which is neutral and non-polar, with arginine, which is basic and polar, at codon 502 of the QARS protein (p.Leu502Arg). In summary, the available evidence is currently insufficient to determine the role of this variant in disease. Therefore, it has been classified as a Variant of Uncertain Significance. ClinVar contains an entry for this variant (Variation ID: 945576). Algorithms developed to predict the effect of missense changes on protein structure and function (SIFT, PolyPhen-2, Align-GVGD) all suggest that this variant is likely to be disruptive.